The following is an entry in ClinVar:

ClinVar aggregate classification (germline): Pathogenic. Review status: criteria provided, multiple submitters, no conflicts (2 of 4 stars). 3 submissions from 3 submitters: Pathogenic (3). Last evaluated 2023-05-10.

Conditions:
Hereditary cancer-predisposing syndrome. Also called: Hereditary Cancer Syndrome; Tumor predisposition; Hereditary neoplastic syndrome; Neoplastic Syndromes, Hereditary. Identifiers: Orphanet 140162, MedGen C0027672, MeSH D009386, MONDO:0015356.
Familial adenomatous polyposis 1 (FAP1). Also called: FAMILIAL ADENOMATOUS POLYPOSIS 1, ATTENUATED; POLYPOSIS, ADENOMATOUS INTESTINAL. Identifiers: MedGen C2713442, MONDO:0021056, OMIM 175100. Disease mechanism: loss of function.

Submissions (3):

Myriad Genetics, Inc.
Classification: Pathogenic for Familial adenomatous polyposis 1. Last evaluated: 2023-05-10. Review status: criteria provided, single submitter. Criteria: Myriad Autosomal Dominant, Autosomal Recessive and X-Linked Classification Criteria (2023). Collection method: clinical testing. Allele origin: unknown.
Comment: This variant is considered pathogenic. This variant creates a termination codon and is predicted to result in premature protein truncation.

Labcorp Genetics (formerly Invitae), Labcorp
Classification: Pathogenic for Familial adenomatous polyposis 1. Last evaluated: 2018-09-10. Review status: criteria provided, single submitter. Criteria: Invitae Variant Classification Sherloc (09022015). Collection method: clinical testing. Allele origin: germline.
Comment: This variant is expected to disrupt the EB1 and HDLG binding sites, which mediate interactions with the cytoskeleton (PMID: 15311282, 17293347). While functional studies have not been performed to directly test the effect on APC protein function, this suggests that disruption of the C-terminal portion of the protein is functionally important. For these reasons, this variant has been classified as Pathogenic. Other variant(s) that disrupt this region (p.Tyr2645Lysfs*14) have been determined to be pathogenic (PMID: 9824584, 1316610, 27081525, 8381579, 22135120, Invitae). This suggests that variants that disrupt this region of the protein are likely to be causative of disease. This variant has not been reported in the literature in individuals with APC-related disease. This variant is not present in population databases (ExAC no frequency). This sequence change results in a premature translational stop signal in the APC gene (p.Val1414*). While this is not anticipated to result in nonsense mediated decay, it is expected to disrupt the last 1430 amino acids of the APC protein.

Ambry Genetics
Classification: Pathogenic for Hereditary cancer-predisposing syndrome. Last evaluated: 2017-10-17. Review status: criteria provided, single submitter. Criteria: Ambry Variant Classification Scheme 2023. Collection method: clinical testing. Allele origin: germline.
Comment: The c.4240delG pathogenic mutation, located in coding exon 15 of the APC gene, results from a deletion of one nucleotide at nucleotide position 4240, causing a translational frameshift with a predicted alternate stop codon (p.V1414*). This alteration is expected to result in loss of function by premature protein truncation. As such, this alteration is interpreted as a disease-causing mutation.

Literature cited by the submitters: PubMed 15311282 (cited by Labcorp Genetics (formerly Invitae), Labcorp); PubMed 17293347 (cited by Labcorp Genetics (formerly Invitae), Labcorp); PubMed 9824584 (cited by Labcorp Genetics (formerly Invitae), Labcorp); PubMed 1316610 (cited by Labcorp Genetics (formerly Invitae), Labcorp); PubMed 27081525 (cited by Labcorp Genetics (formerly Invitae), Labcorp); PubMed 8381579 (cited by Labcorp Genetics (formerly Invitae), Labcorp); PubMed 22135120 (cited by Labcorp Genetics (formerly Invitae), Labcorp).

NM_000038.6(APC):c.4240del (p.Met1413_Val1414insTer)

Gene: APC (APC regulator of Wnt signaling pathway; plus strand). Cytogenetic location: 5q22.2.
Variant type: Deletion.
Coding change: c.4240del on transcript NM_000038.6 (MANE Select); coding-DNA position 4240, one base deleted (G; older notation c.4240delG).
Protein change: p.Met1413_Val1414insTer.
Molecular consequence: nonsense.
Genome position (GRCh38, 1-based): chr5:112,839,834, G deleted; the last of 2 consecutive G bases (chr5:112,839,833-112,839,834); deleting either gives the same sequence. VCF-style (leftmost placement, unchanged base first): chr5-112839832-TG-T. GRCh37 (hg19) VCF-style: chr5-112175529-TG-T.
Other names: c.4240del, p.Met1413_Val1414insTer (NM_001127510.3, NM_001354895.2); c.4186del, p.Met1395_Val1396insTer (NM_001127511.3); c.4294del, p.Met1431_Val1432insTer (NM_001354896.2); c.4270del, p.Met1423_Val1424insTer (NM_001354897.2); c.4165del, p.Met1388_Val1389insTer (NM_001354898.2); c.4156del, p.Met1385_Val1386insTer (NM_001354899.2); c.4117del, p.Met1372_Val1373insTer (NM_001354900.2); c.4063del, p.Met1354_Val1355insTer (NM_001354901.2); and 5 more.
Identifiers: ClinVar variation 645536 (VCV000645536.13), dbSNP rs1580645606, ClinGen allele CA445964234.